The following is an entry in ClinVar:

ClinVar aggregate classification (germline): Likely pathogenic (1 of 4 stars; one submission).

Conditions:
Intellectual developmental disorder, autosomal dominant 44, with microcephaly. Also called: TRIO-Related Intellectual Disability; Micrognathia-recurrent infections-behavioral abnormalities-mild intellectual disability syndrome. Identifiers: Orphanet 476126, MedGen C4310740, MONDO:0014892, OMIM 617061.

Submission:

MVZ Medizinische Genetik Mainz
Classification: Likely pathogenic for Intellectual developmental disorder, autosomal dominant 44, with microcephaly. Last evaluated: 2022-07-21. Review status: criteria provided, single submitter. Criteria: UK Practice Guidelines For Variant Classification V4 01 2020. Collection method: clinical testing. Allele origin: germline. Inheritance: Autosomal dominant inheritance. Affected: yes. Observed: 1 variant allele.
Comment: ACMG Criteria: PVS1, PM2_SUP (ACMG Version 4)

NM_007118.4(TRIO):c.2754+2T>C

Gene: TRIO (trio Rho guanine nucleotide exchange factor; plus strand). Cytogenetic location: 5p15.2.
Variant type: single nucleotide variant.
Coding change: c.2754+2T>C on transcript NM_007118.4 (MANE Select); the canonical splice donor site of the intron after coding-DNA position 2754, T replaced by C.
Molecular consequence: splice donor variant.
Genome position (GRCh38, 1-based): chr5:14,364,818, T>C. VCF-style: chr5-14364818-T-C. GRCh37 (hg19) VCF-style: chr5-14364927-T-C.
Identifiers: ClinVar variation 3066158 (VCV003066158.1), dbSNP rs2532657267, ClinGen allele CA359212589.
Genomic context (GRCh38, chr5:14,364,818, plus strand): 5'-ATCGGAAACACCTGGAGCAGTGCGTGCAGCTGCGCCACCTGCAGGCAGAAGTGAAACAGG[T>C]GAGCAAACGACTGGATGCTTGGGGAGGCTGCGCTACAGATGCTTGATACCTCATCGACTT-3'